The following is an entry in ClinVar:

NM_152783.5(D2HGDH):c.821C>T (p.Pro274Leu)

Gene: D2HGDH (D-2-hydroxyglutarate dehydrogenase; plus strand). Cytogenetic location: 2q37.3.
Variant type: single nucleotide variant.
Coding change: c.821C>T on transcript NM_152783.5 (MANE Select); coding-DNA position 821, C replaced by T.
Protein change: p.Pro274Leu; replaces proline 274 with leucine.
Molecular consequence: missense variant. On other transcripts: non-coding transcript variant (1).
Genome position (GRCh38, 1-based): chr2:241,744,845, C>T. VCF-style: chr2-241744845-C-T. GRCh37 (hg19) VCF-style: chr2-242684260-C-T.
Other names: c.419C>T, p.Pro140Leu (NM_001287249.2); c.260C>T, p.Pro87Leu (NM_001352824.2); short protein forms P274L, P140L, P87L.
Identifiers: ClinVar variation 210820 (VCV000210820.11), dbSNP rs781751387, ClinGen allele CA209508.
Genomic context (GRCh38, chr2:241,744,845, plus strand): 5'-TGTTCATCGGGTCGGAGGGCACTTTGGGGATCATCACCACGGTGTCCATCTTGTGTCCAC[C>T]CAAGCCCAGGGCTGTGAACGTGGCTTTCCTCGGTGGGCTTCCTCGATGTGTGCCTTGAGA-3'
Protein context (NP_689996.4, residues 264-284): IITTVSILCP[Pro274Leu]KPRAVNVAFL

ClinVar aggregate classification (germline): Uncertain significance. Review status: criteria provided, multiple submitters, no conflicts (2 of 4 stars). 2 submissions from 2 submitters: Uncertain significance (2). Last evaluated 2022-04-07.

Conditions:
D-2-hydroxyglutaric aciduria 1 (D2HGA1). Identifiers: Orphanet 79315, MedGen C3152055, MONDO:0024554, OMIM 600721.

Allele frequency attached by ClinVar (database versions not stated): ExAC 0.00002; gnomAD 0.00002 and 0.00003; TOPMed 0.00002; gnomAD exomes 0.00003 and 0.00004.
gnomAD v4.1: 53 of 1,613,966 alleles (0.0033%); highest among the groups gnomAD compares: Non-Finnish European, 0.0044%; no homozygotes.

Submissions (2):

Labcorp Genetics (formerly Invitae), Labcorp
Classification: Uncertain significance for D-2-hydroxyglutaric aciduria 1. Last evaluated: 2022-04-07. Review status: criteria provided, single submitter. Criteria: Invitae Variant Classification Sherloc (09022015). Collection method: clinical testing. Allele origin: germline.
Comment: This sequence change replaces proline, which is neutral and non-polar, with leucine, which is neutral and non-polar, at codon 274 of the D2HGDH protein (p.Pro274Leu). This variant is present in population databases (rs781751387, gnomAD 0.007%). This variant has not been reported in the literature in individuals affected with D2HGDH-related conditions. ClinVar contains an entry for this variant (Variation ID: 210820). Algorithms developed to predict the effect of missense changes on protein structure and function (SIFT, PolyPhen-2, Align-GVGD) all suggest that this variant is likely to be tolerated. In summary, the available evidence is currently insufficient to determine the role of this variant in disease. Therefore, it has been classified as a Variant of Uncertain Significance.

Genetic Services Laboratory, University of Chicago
Classification: Uncertain significance. Last evaluated: 2015-05-28. Review status: criteria provided, single submitter. Criteria: ACMG Guidelines, 2015. Collection method: clinical testing. Allele origin: germline.